The following is an entry in ClinVar:

NM_030665.4(RAI1):c.2820C>G (p.Ser940Arg)

Gene: RAI1 (retinoic acid induced 1; plus strand). Cytogenetic location: 17p11.2.
Variant type: single nucleotide variant.
Coding change: c.2820C>G on transcript NM_030665.4 (MANE Select); coding-DNA position 2820, C replaced by G.
Protein change: p.Ser940Arg; replaces serine 940 with arginine.
Molecular consequence: missense variant.
Genome position (GRCh38, 1-based): chr17:17,795,768, C>G. VCF-style: chr17-17795768-C-G. GRCh37 (hg19) VCF-style: chr17-17699082-C-G.
Other names: c.2820C>G (NM_030665.3); short protein forms S940R.
Identifiers: ClinVar variation 1519820 (VCV001519820.11), dbSNP rs141725170, ClinGen allele CA288370061.
Genomic context (GRCh38, chr17:17,795,768, plus strand): 5'-CTCAGGGGAGTCCGTCATCCTGCTGGGCCCTACAGTGGGCACCGAGTCAAAGGTCCAGAG[C>G]TGGTTTGAGTCCTCTCTGTCACACATGAAGCCAGGTGAAGAGGGGCCTGATGGGGAGCGA-3'
Protein context (NP_109590.3, residues 930-950): PTVGTESKVQ[Ser940Arg]WFESSLSHMK

ClinVar aggregate classification (germline): Uncertain significance. Review status: criteria provided, multiple submitters, no conflicts (2 of 4 stars). 3 submissions from 3 submitters: Uncertain significance (2). 1 of the submissions does not count toward it. Last evaluated 2025-11-05.

Conditions:
RAI1-related disorder. Also called: RAI1-related condition.
Inborn genetic diseases. Identifiers: MedGen C0950123, MeSH D030342.

Allele frequency attached by ClinVar (database versions not stated): gnomAD exomes below 0.00001 and 0.00002; gnomAD 0.00003; TOPMed 0.00003; ESP Exome Variant Server 0.00008.
gnomAD v4.1: 41 of 1,613,494 alleles (0.0025%); highest among the groups gnomAD compares: Non-Finnish European, 0.0031%; no homozygotes.

Submissions (3):

Labcorp Genetics (formerly Invitae), Labcorp
Classification: Uncertain significance. Last evaluated: 2025-11-05. Review status: criteria provided, single submitter. Criteria: Invitae Variant Classification Sherloc (09022015). Collection method: clinical testing. Allele origin: germline.
Comment: This sequence change replaces serine, which is neutral and polar, with arginine, which is basic and polar, at codon 940 of the RAI1 protein (p.Ser940Arg). This variant is present in population databases (rs141725170, gnomAD 0.0009%). This variant has not been reported in the literature in individuals affected with RAI1-related conditions. ClinVar contains an entry for this variant (Variation ID: 1519820). Invitae Evidence Modeling of protein sequence and biophysical properties (such as structural, functional, and spatial information, amino acid conservation, physicochemical variation, residue mobility, and thermodynamic stability) indicates that this missense variant is not expected to disrupt RAI1 protein function with a negative predictive value of 80%. In summary, the available evidence is currently insufficient to determine the role of this variant in disease. Therefore, it has been classified as a Variant of Uncertain Significance.

Ambry Genetics
Classification: Uncertain significance for Inborn genetic diseases. Last evaluated: 2022-07-12. Review status: criteria provided, single submitter. Criteria: Ambry Variant Classification Scheme 2023. Collection method: clinical testing. Allele origin: germline.

PreventionGenetics, part of Exact Sciences
Classification: Likely benign for RAI1-related condition. Last evaluated: 2024-01-02. Review status: no assertion criteria provided. Collection method: clinical testing. Allele origin: germline. Not counted in ClinVar's aggregate classification.
Comment: This variant is classified as likely benign based on ACMG/AMP sequence variant interpretation guidelines (Richards et al. 2015 PMID: 25741868, with internal and published modifications).